The following is an entry in ClinVar:

ClinVar aggregate classification (germline): Uncertain significance (1 of 4 stars; one submission).

Conditions:
Ataxia-telangiectasia syndrome (AT). Also called: LOUIS-BAR SYNDROME; Ataxia telangiectasia (A-T); Ataxia-telangiectasia, complementation group D; Cerebello-oculocutaneous telangiectasia; Immunodeficiency with ataxia telangiectasia; Ataxia-telangiectasia. Identifiers: Orphanet 100, MedGen C0004135, MONDO:0008840, OMIM 208900.

Submission:

Labcorp Genetics (formerly Invitae), Labcorp
Classification: Uncertain significance for Ataxia-telangiectasia syndrome. Last evaluated: 2019-02-18. Review status: criteria provided, single submitter. Criteria: Invitae Variant Classification Sherloc (09022015). Collection method: clinical testing. Allele origin: germline.
Comment: This sequence change replaces phenylalanine with isoleucine at codon 802 of the ATM protein (p.Phe802Ile). The phenylalanine residue is weakly conserved and there is a small physicochemical difference between phenylalanine and isoleucine. This variant is not present in population databases (ExAC no frequency). This variant has not been reported in the literature in individuals with ATM-related conditions. Algorithms developed to predict the effect of missense changes on protein structure and function (SIFT, PolyPhen-2, Align-GVGD) all suggest that this variant is likely to be tolerated, but these predictions have not been confirmed by published functional studies and their clinical significance is uncertain. In summary, the available evidence is currently insufficient to determine the role of this variant in disease. Therefore, it has been classified as a Variant of Uncertain Significance.

NM_000051.4(ATM):c.2404T>A (p.Phe802Ile)

Gene: ATM (ATM serine/threonine kinase; plus strand). Cytogenetic location: 11q22.3.
Variant type: single nucleotide variant.
Coding change: c.2404T>A on transcript NM_000051.4 (MANE Select); coding-DNA position 2404, T replaced by A.
Protein change: p.Phe802Ile; replaces phenylalanine 802 with isoleucine.
Molecular consequence: missense variant.
Genome position (GRCh38, 1-based): chr11:108,259,013, T>A. VCF-style: chr11-108259013-T-A. GRCh37 (hg19) VCF-style: chr11-108129740-T-A.
Other names: c.2404T>A, p.Phe802Ile (NM_001351834.2); short protein forms F802I.
Identifiers: ClinVar variation 862500 (VCV000862500.1), dbSNP rs2080695065, ClinGen allele CA382541151.